The following is an entry in ClinVar:

ClinVar aggregate classification (germline): Likely pathogenic (1 of 4 stars; one submission).

Conditions:
Autosomal recessive polycystic kidney disease (ARPKD). Also called: AR polycystic kidney disease. Identifiers: Orphanet 731, Orphanet 8378, MedGen C0085548, MeSH D017044, MONDO:0009889.

Submission:

Natera, Inc.
Classification: Likely pathogenic for Autosomal recessive polycystic kidney disease. Last evaluated: 2025-12-02. Review status: criteria provided, single submitter. Criteria: Natera Variant Classification Schema (03/2026). Collection method: clinical testing. Allele origin: germline.
Comment: The c.9549_9551dup variant in PKHD1 is an in-frame insertion. This variant is expected to result in nonsense mediated decay, truncation, or a dysfunctional protein product. This variant is rare in the general population with a frequency below the threshold expected for the associated phenotype(s). Given the available evidence, this variant is classified as Likely Pathogenic.

NM_138694.4(PKHD1):c.9549_9551dup (p.Tyr3184Ter)

Gene: PKHD1 (PKHD1 ciliary IPT domain containing fibrocystin/polyductin; minus strand). Cytogenetic location: 6p12.3.
Variant type: Duplication.
Coding change: c.9549_9551dup on transcript NM_138694.4 (MANE Select); coding-DNA positions 9549 to 9551, 3 bases duplicated (GTA; older notation c.9549_9551dupGTA).
Protein change: p.Tyr3184Ter; replaces tyrosine 3184 with a stop codon.
Molecular consequence: nonsense.
Genome position (GRCh38, 1-based): chr6:51,748,065-51,748,067, TAC duplicated on the plus strand (GTA on the coding strand, the reverse complement: PKHD1 is on the minus strand). VCF-style (leftmost placement, unchanged base first): chr6-51748064-A-ATAC. GRCh37 (hg19) VCF-style: chr6-51612862-A-ATAC.
Other names: c.9549_9551dup, p.Tyr3184Ter (NM_170724.3); short protein forms Y3184*.
Identifiers: ClinVar variation 4816800 (VCV004816800.1).